The following is an entry in ClinVar:

ClinVar aggregate classification (germline): Likely benign. Review status: criteria provided, multiple submitters, no conflicts (2 of 4 stars). 2 submissions from 2 submitters: Likely benign (2). Last evaluated 2024-11-19.

Conditions:
Immunodeficiency-centromeric instability-facial anomalies syndrome 2 (ICF2). Identifiers: Orphanet 2268, MedGen C3279748, MONDO:0013553, OMIM 614069.

Allele frequency attached by ClinVar (database versions not stated): TOPMed 0.00002; ExAC 0.00003; gnomAD 0.00003 and 0.00004; gnomAD exomes 0.00003.
gnomAD v4.1: 58 of 1,614,094 alleles (0.0036%); highest among the groups gnomAD compares: Non-Finnish European, 0.0044%; no homozygotes.

Submissions (2):

Labcorp Genetics (formerly Invitae), Labcorp
Classification: Likely benign for Immunodeficiency-centromeric instability-facial anomalies syndrome 2. Last evaluated: 2024-11-19. Review status: criteria provided, single submitter. Criteria: Invitae Variant Classification Sherloc (09022015). Collection method: clinical testing. Allele origin: germline.

CeGaT Center for Human Genetics Tuebingen
Classification: Likely benign. Last evaluated: 2024-06-01. Review status: criteria provided, single submitter. Criteria: CeGaT Center For Human Genetics Tuebingen Variant Classification Criteria Version 2. Collection method: clinical testing. Allele origin: germline. Affected: yes. Observed: 1 variant allele.
Comment: ZBTB24: BP4, BP7

NM_014797.3(ZBTB24):c.69G>A (p.Val23=)

Gene: ZBTB24 (zinc finger and BTB domain containing 24; minus strand). Cytogenetic location: 6q21.
Variant type: single nucleotide variant.
Coding change: c.69G>A on transcript NM_014797.3 (MANE Select); coding-DNA position 69, G replaced by A.
Protein change: p.Val23=; no amino-acid change (valine 23 retained).
Molecular consequence: synonymous variant.
Genome position (GRCh38, 1-based): chr6:109,481,958, C>T on the plus strand (G>A on the coding strand, the complement: ZBTB24 is on the minus strand). VCF-style: chr6-109481958-C-T. GRCh37 (hg19) VCF-style: chr6-109803161-C-T.
Other names: c.69G>A, p.Val23= (NM_001164313.2).
Identifiers: ClinVar variation 1095431 (VCV001095431.27), dbSNP rs764285751, ClinGen allele CA3954402.